The following is an entry in ClinVar:

NM_000432.4(MYL2):c.43T>G (p.Ser15Ala)

Genes: MYL2 (myosin light chain 2; minus strand), LOC114827850 (VISTA enhancer hs2149; plus strand). Cytogenetic location: 12q24.11.
Variant type: single nucleotide variant.
Coding change: c.43T>G on transcript NM_000432.4 (MANE Select); coding-DNA position 43, T replaced by G.
Protein change: p.Ser15Ala; replaces serine 15 with alanine.
Molecular consequence: missense variant. On other transcripts: 5 prime UTR variant (1).
Genome position (GRCh38, 1-based): chr12:110,919,154, A>C on the plus strand (T>G on the coding strand, the complement: MYL2 is on the minus strand). VCF-style: chr12-110919154-A-C. GRCh37 (hg19) VCF-style: chr12-111356958-A-C.
Other names: c.-15T>G (NM_001406916.1); c.43T>G, p.Ser15Ala (NM_001406745.1); short protein forms S15A.
Identifiers: ClinVar variation 3657626 (VCV003657626.2).

ClinVar aggregate classification (germline): Uncertain significance (1 of 4 stars; one submission).

Conditions:
Hypertrophic cardiomyopathy 10. Also called: MYL2-Related Familial Hypertrophic Cardiomyopathy; CARDIOMYOPATHY, HYPERTROPHIC, MID-LEFT VENTRICULAR CHAMBER TYPE, 2. Identifiers: MedGen C1834460, MONDO:0012112, OMIM 608758.

Submission:

Labcorp Genetics (formerly Invitae), Labcorp
Classification: Uncertain significance for Hypertrophic cardiomyopathy 10. Last evaluated: 2024-06-24. Review status: criteria provided, single submitter. Criteria: Invitae Variant Classification Sherloc (09022015). Collection method: clinical testing. Allele origin: germline.
Comment: This sequence change replaces serine, which is neutral and polar, with alanine, which is neutral and non-polar, at codon 15 of the MYL2 protein (p.Ser15Ala). This variant is not present in population databases (gnomAD no frequency). This variant has not been reported in the literature in individuals affected with MYL2-related conditions. An algorithm developed to predict the effect of missense changes on protein structure and function (PolyPhen-2) suggests that this variant is likely to be disruptive. Experimental studies have shown that this missense change affects MYL2 function (PMID: 25412762). In summary, the available evidence is currently insufficient to determine the role of this variant in disease. Therefore, it has been classified as a Variant of Uncertain Significance.

Literature cited by the submitters: PubMed 25412762.